The following is an entry in ClinVar:

ClinVar aggregate classification (germline): Uncertain significance. Review status: criteria provided, multiple submitters, no conflicts (2 of 4 stars). 2 submissions from 2 submitters: Uncertain significance (2). Last evaluated 2023-11-08.

Allele frequency attached by ClinVar (database versions not stated): ExAC 0.00002; gnomAD 0.00008; TOPMed 0.00012.
gnomAD v4.1: 31 of 1,610,828 alleles (0.0019%); highest among the groups gnomAD compares: Admixed American, 0.013%; no homozygotes.

Submissions (2):

Women's Health and Genetics/Laboratory Corporation of America, LabCorp
Classification: Uncertain significance. Last evaluated: 2023-11-08. Review status: criteria provided, single submitter. Criteria: LabCorp Variant Classification Summary - May 2015. Collection method: clinical testing. Allele origin: germline.
Comment: Variant summary: PRSS12 c.450C>A (p.Phe150Leu) results in a non-conservative amino acid change located in the Kringle (IPR000001) of the encoded protein sequence. Four of five in-silico tools predict a damaging effect of the variant on protein function. The variant allele was found at a frequency of 1.7e-05 in 239702 control chromosomes. The available data on variant occurrences in the general population are insufficient to allow any conclusion about variant significance. To our knowledge, no occurrence of c.450C>A in individuals affected with Intellectual Disability, Autosomal Recessive 1 and no experimental evidence demonstrating its impact on protein function have been reported. One submitter has cited clinical-significance assessments for this variant to ClinVar after 2014 and has classified the variant as uncertain significance. Based on the evidence outlined above, the variant was classified as uncertain significance.

Ambry Genetics
Classification: Uncertain significance. Last evaluated: 2021-06-18. Review status: criteria provided, single submitter. Criteria: Ambry Variant Classification Scheme 2023. Collection method: clinical testing. Allele origin: germline.

NM_003619.4(PRSS12):c.450C>A (p.Phe150Leu)

Gene: PRSS12 (serine protease 12; minus strand). Cytogenetic location: 4q26.
Variant type: single nucleotide variant.
Coding change: c.450C>A on transcript NM_003619.4 (MANE Select); coding-DNA position 450, C replaced by A.
Protein change: p.Phe150Leu; replaces phenylalanine 150 with leucine.
Molecular consequence: missense variant.
Genome position (GRCh38, 1-based): chr4:118,352,271, G>T on the plus strand (C>A on the coding strand, the complement: PRSS12 is on the minus strand). VCF-style: chr4-118352271-G-T. GRCh37 (hg19) VCF-style: chr4-119273426-G-T.
Other names: short protein forms F150L.
Identifiers: ClinVar variation 2233486 (VCV002233486.3), dbSNP rs267599998, ClinGen allele CA3055943.